The following is an entry in ClinVar:

ClinVar aggregate classification (germline): Conflicting classifications of pathogenicity. Review status: criteria provided, conflicting classifications (1 of 4 stars). 2 submissions from 2 submitters: Uncertain significance (1); Likely benign (1). Last evaluated 2025-08-03.

Conditions:
Inborn genetic diseases. Identifiers: MedGen C0950123, MeSH D030342.

Allele frequency attached by ClinVar (database versions not stated): gnomAD exomes 0.00007 and 0.00029; gnomAD 0.00011 and 0.00013; 1000 Genomes Project 30x 0.00016; 1000 Genomes Project 0.00020; TOPMed 0.00024; ExAC 0.00029.
gnomAD v4.1: 127 of 1,607,990 alleles (0.0079%); highest among the groups gnomAD compares: East Asian, 0.24%; no homozygotes.

Submissions (2):

GeneDx
Classification: Uncertain significance. Last evaluated: 2025-08-03. Review status: criteria provided, single submitter. Criteria: GeneDx Variant Classification Process June 2021. Collection method: clinical testing. Allele origin: germline. Affected: yes.
Comment: In silico analysis supports that this missense variant has a deleterious effect on protein structure/function; Has not been previously published as pathogenic or benign to our knowledge

Ambry Genetics
Classification: Likely benign for Inborn genetic diseases. Last evaluated: 2024-01-16. Review status: criteria provided, single submitter. Criteria: Ambry Variant Classification Scheme 2023. Collection method: clinical testing. Allele origin: germline.

NM_001170535.3(ATAD3A):c.1507C>T (p.Arg503Cys)

Gene: ATAD3A (ATPase family AAA domain containing 3A; plus strand). Cytogenetic location: 1p36.33.
Variant type: single nucleotide variant.
Coding change: c.1507C>T on transcript NM_001170535.3 (MANE Select); coding-DNA position 1507, C replaced by T.
Protein change: p.Arg503Cys; replaces arginine 503 with cysteine.
Molecular consequence: missense variant.
Genome position (GRCh38, 1-based): chr1:1,529,224, C>T. VCF-style: chr1-1529224-C-T. GRCh37 (hg19) VCF-style: chr1-1464604-C-T.
Other names: c.1270C>T, p.Arg424Cys (NM_001170536.3); c.1651C>T, p.Arg551Cys (NM_018188.5); c.1651C>T (NM_018188.3); short protein forms R424C, R503C, R551C.
Identifiers: ClinVar variation 1327779 (VCV001327779.4), dbSNP rs200101143, ClinGen allele CA526461.